The following is an entry in ClinVar:

NM_001211.6(BUB1B):c.2133T>A (p.Asn711Lys)

Gene: BUB1B (BUB1 mitotic checkpoint serine/threonine kinase B; plus strand). Cytogenetic location: 15q15.1.
Variant type: single nucleotide variant.
Coding change: c.2133T>A on transcript NM_001211.6 (MANE Select); coding-DNA position 2133, T replaced by A.
Protein change: p.Asn711Lys; replaces asparagine 711 with lysine.
Molecular consequence: missense variant.
Genome position (GRCh38, 1-based): chr15:40,208,760, T>A. VCF-style: chr15-40208760-T-A. GRCh37 (hg19) VCF-style: chr15-40500961-T-A.
Other names: short protein forms N711K.
Identifiers: ClinVar variation 2450842 (VCV002450842.2), dbSNP rs770794026, ClinGen allele CA7475955.

ClinVar aggregate classification (germline): Uncertain significance (1 of 4 stars; one submission).

Conditions:
Inborn genetic diseases. Identifiers: MedGen C0950123, MeSH D030342.

Allele frequency attached by ClinVar (database versions not stated): gnomAD exomes below 0.00001; ExAC 0.00001.
gnomAD v4.1: 2 of 1,612,432 alleles (0.00012%); highest among the groups gnomAD compares: Non-Finnish European, 0.000085%; no homozygotes.

Submission:

Ambry Genetics
Classification: Uncertain significance for Inborn genetic diseases. Last evaluated: 2023-02-25. Review status: criteria provided, single submitter. Criteria: Ambry Variant Classification Scheme 2023. Collection method: clinical testing. Allele origin: germline.
Comment: The p.N711K variant (also known as c.2133T>A), located in coding exon 16 of the BUB1B gene, results from a T to A substitution at nucleotide position 2133. The asparagine at codon 711 is replaced by lysine, an amino acid with similar properties. This amino acid position is conserved. In addition, this alteration is predicted to be tolerated by in silico analysis. Since supporting evidence is limited at this time, the clinical significance of this alteration remains unclear.